The following is an entry in ClinVar:

NM_018897.3(DNAH7):c.3868T>C (p.Tyr1290His)

Gene: DNAH7 (dynein axonemal heavy chain 7; minus strand). Cytogenetic location: 2q32.3.
Variant type: single nucleotide variant.
Coding change: c.3868T>C on transcript NM_018897.3 (MANE Select); coding-DNA position 3868, T replaced by C.
Protein change: p.Tyr1290His; replaces tyrosine 1290 with histidine.
Molecular consequence: missense variant.
Genome position (GRCh38, 1-based): chr2:195,922,155, A>G on the plus strand (T>C on the coding strand, the complement: DNAH7 is on the minus strand). VCF-style: chr2-195922155-A-G. GRCh37 (hg19) VCF-style: chr2-196786879-A-G.
Other names: short protein forms Y1290H.
Identifiers: ClinVar variation 2651779 (VCV002651779.24), dbSNP rs2468754341, ClinGen allele CA349953145.
Genomic context (GRCh38, chr2:195,922,155, plus strand): 5'-ATCTATCCGTGAGTGGTGTAATAACCAGCCTAGGGGAATTACCCAGATATTCATATCCAT[A>G]TCGCAAACCAGCATTGATCATTTTTGTTTCTAAATGATTTTCCTAGGATAAATCAAATAA-3'
Protein context (NP_061720.2, residues 1280-1300): ETKMINAGLR[Tyr1290His]GYEYLGNSPR

ClinVar aggregate classification (germline): Uncertain significance (1 of 4 stars; one submission).

Submission:

CeGaT Center for Human Genetics Tuebingen
Classification: Uncertain significance. Last evaluated: 2023-05-01. Review status: criteria provided, single submitter. Criteria: CeGaT Center For Human Genetics Tuebingen Variant Classification Criteria Version 2. Collection method: clinical testing. Allele origin: germline. Affected: yes. Observed: 1 variant allele.
Comment: DNAH7: PM2